The following is an entry in ClinVar:

ClinVar aggregate classification (germline): Benign/Likely benign. Review status: criteria provided, multiple submitters, no conflicts (2 of 4 stars). 2 submissions from 2 submitters: Benign (1); Likely benign (1). Last evaluated 2024-07-04.

Allele frequency attached by ClinVar (database versions not stated): gnomAD exomes 0.00011 and 0.00021; ExAC 0.00028; ESP Exome Variant Server 0.00069; gnomAD 0.00120 and 0.00129; TOPMed 0.00121; 1000 Genomes Project 0.00160; 1000 Genomes Project 30x 0.00172.
gnomAD v4.1: 352 of 1,614,092 alleles (0.022%); highest among the groups gnomAD compares: African/African-American, 0.42%; 2 homozygotes.

Submissions (2):

Blueprint Genetics
Classification: Likely benign. Last evaluated: 2024-07-04. Review status: criteria provided, single submitter. Criteria: ACMG Guidelines, 2015. Collection method: clinical testing. Allele origin: germline.

GeneDx
Classification: Benign. Last evaluated: 2014-01-24. Review status: criteria provided, single submitter. Criteria: GeneDx Variant Classification (06012015). Collection method: clinical testing. Allele origin: germline. Affected: yes.
Comment: This variant is considered likely benign or benign based on one or more of the following criteria: it is a conservative change, it occurs at a poorly conserved position in the protein, it is predicted to be benign by multiple in silico algorithms, and/or has population frequency not consistent with disease.

NM_000310.4(PPT1):c.*12T>C

Gene: PPT1 (palmitoyl-protein thioesterase 1; minus strand). Cytogenetic location: 1p34.2.
Variant type: single nucleotide variant.
Coding change: c.*12T>C on transcript NM_000310.4 (MANE Select); 12 bases downstream of the stop codon, T replaced by C.
Molecular consequence: 3 prime UTR variant.
Genome position (GRCh38, 1-based): chr1:40,074,049, A>G on the plus strand (T>C on the coding strand, the complement: PPT1 is on the minus strand). VCF-style: chr1-40074049-A-G. GRCh37 (hg19) VCF-style: chr1-40539721-A-G.
Other names: c.*12T>C (NM_001142604.2, NM_001363695.2).
Identifiers: ClinVar variation 138795 (VCV000138795.3), dbSNP rs199882794, ClinGen allele CA292904.